The following is an entry in ClinVar:

NM_001018115.3(FANCD2):c.439-3T>C

Genes: FANCD2 (FA complementation group D2; plus strand), LOC107303338 (3p25 FANCD2 Alu-mediated recombination region; plus strand). Cytogenetic location: 3p25.3.
Variant type: single nucleotide variant.
Coding change: c.439-3T>C on transcript NM_001018115.3 (MANE Select); 3 bases into the intron before coding-DNA position 439, T replaced by C.
Molecular consequence: intron variant.
Genome position (GRCh38, 1-based): chr3:10,036,284, T>C. VCF-style: chr3-10036284-T-C. GRCh37 (hg19) VCF-style: chr3-10077968-T-C.
Other names: c.439-3T>C (NM_001319984.2, NM_001374253.1, NM_033084.6 and 2 more transcripts).
Identifiers: ClinVar variation 1051748 (VCV001051748.6), dbSNP rs771998947, ClinGen allele CA2249221.
Genomic context (GRCh38, chr3:10,036,284, plus strand): 5'-GATTATACATTTCTATTGTGTATTTTGAGATCATCTCCTAACTCCCTATGTCTTCTTTTT[T>C]AGCCTGCCATTATCAAAACCTTATTTGAGAAGTTGCCAGAATATTTTTTTGAAAAGTAAG-3'

ClinVar aggregate classification (germline): Uncertain significance (1 of 4 stars; one submission).

Conditions:
Fanconi anemia (FA). Also called: Fanconi's anemia. Identifiers: Orphanet 84, MedGen C0015625, MeSH D005199, MONDO:0019391.

Allele frequency attached by ClinVar (database versions not stated): gnomAD exomes below 0.00001 and 0.00001; ExAC 0.00001.
gnomAD v4.1: 1 of 1,610,938 alleles (0.000062%); highest among the groups gnomAD compares: East Asian, 0.0022%; no homozygotes.

Submission:

Labcorp Genetics (formerly Invitae), Labcorp
Classification: Uncertain significance for Fanconi anemia. Last evaluated: 2022-06-09. Review status: criteria provided, single submitter. Criteria: Invitae Variant Classification Sherloc (09022015). Collection method: clinical testing. Allele origin: germline.
Comment: This sequence change falls in intron 6 of the FANCD2 gene. It does not directly change the encoded amino acid sequence of the FANCD2 protein. It affects a nucleotide within the consensus splice site. This variant is present in population databases (rs771998947, gnomAD 0.01%). This variant has not been reported in the literature in individuals affected with FANCD2-related conditions. ClinVar contains an entry for this variant (Variation ID: 1051748). Variants that disrupt the consensus splice site are a relatively common cause of aberrant splicing (PMID: 17576681, 9536098). Algorithms developed to predict the effect of sequence changes on RNA splicing suggest that this variant is not likely to affect RNA splicing. In summary, the available evidence is currently insufficient to determine the role of this variant in disease. Therefore, it has been classified as a Variant of Uncertain Significance.

Literature cited by the submitters: PubMed 17576681; PubMed 9536098.